The following is an entry in ClinVar:

NM_014714.4(IFT140):c.3394TTC[1] (p.Phe1133del)

Gene: IFT140 (intraflagellar transport 140; minus strand). Cytogenetic location: 16p13.3.
Variant type: Microsatellite.
Coding change: c.3394TTC[1] on transcript NM_014714.4 (MANE Select); one copy of the 3-base unit TTC starting at c.3394; the reference has two copies in a row; one copy, 3 bases deleted.
Protein change: p.Phe1133del; deletes phenylalanine 1133.
Molecular consequence: inframe deletion.
Genome position (GRCh38, 1-based): chr16:1,523,572-1,523,574, GAA deleted on the plus strand (TTC on the coding strand, the reverse complement: IFT140 is on the minus strand); deleting any 3 consecutive bases within chr16:1,523,572-1,523,578 gives the same sequence; the position shown is the placement nearest the transcript's 3' end. VCF-style (leftmost placement, unchanged base first): chr16-1523571-TGAA-T. GRCh37 (hg19) VCF-style: chr16-1573572-TGAA-T.
Other names: short protein forms F1133del.
Identifiers: ClinVar variation 969450 (VCV000969450.9), dbSNP rs2040585460, ClinGen allele CA2201697788.
Genomic context (GRCh38, chr16:1,523,571, plus strand): 5'-CCCGTACCTTCCTGGCAGCCAGCAGCAGCTCTACCGCCCTCTCGTACTGACTGTGCTCGA[TGAA>T]GAAGTCGGAGCAGCGGGCCAGGAGCGCAGGGTCTGACGTCTCATCCAGGTCCTCTGCTAT-3'

ClinVar aggregate classification (germline): Uncertain significance (1 of 4 stars; one submission).

Conditions:
Saldino-Mainzer syndrome (SRTD9). Also called: CONORENAL SYNDROME; SHORT-RIB THORACIC DYSPLASIA 9 WITHOUT POLYDACTYLY; short-rib thoracic dysplasia 9 with or without polydactyly; Renal dysplasia, retinal pigmentary dystrophy, cerebellar ataxia and skeletal dysplasia. Identifiers: Orphanet 140969, MedGen C1849437, MONDO:0009964, OMIM 266920.

Submission:

Labcorp Genetics (formerly Invitae), Labcorp
Classification: Uncertain significance for Saldino-Mainzer syndrome. Last evaluated: 2020-03-16. Review status: criteria provided, single submitter. Criteria: Invitae Variant Classification Sherloc (09022015). Collection method: clinical testing. Allele origin: germline.
Comment: Experimental studies and prediction algorithms are not available or were not evaluated, and the effect of this variant on mRNA splicing is currently unknown. In summary, the available evidence is currently insufficient to determine the role of this variant in disease. Therefore, it has been classified as a Variant of Uncertain Significance. This variant has not been reported in the literature in individuals with IFT140-related conditions. This variant, c.3397_3399del, results in the deletion of 1 amino acid(s) of the IFT140 protein (p.Phe1133del), but otherwise preserves the integrity of the reading frame. This variant is not present in population databases (ExAC no frequency).